The following is an entry in ClinVar:

ClinVar aggregate classification (germline): Likely benign (0 of 4 stars; one submission).

Conditions:
PTPRU-related disorder. Also called: PTPRU-related condition.

Allele frequency attached by ClinVar (database versions not stated): ExAC 0.00005; gnomAD exomes 0.00005; TOPMed 0.00007; ESP Exome Variant Server 0.00008; gnomAD 0.00008; 1000 Genomes Project 30x 0.00031; 1000 Genomes Project 0.00040.
gnomAD v4.1: 90 of 1,613,292 alleles (0.0056%); highest among the groups gnomAD compares: Non-Finnish European, 0.0071%; no homozygotes.

Submission:

PreventionGenetics, part of Exact Sciences
Classification: Likely benign for PTPRU-related condition. Last evaluated: 2019-05-14. Review status: no assertion criteria provided. Collection method: clinical testing. Allele origin: germline.
Comment: This variant is classified as likely benign based on ACMG/AMP sequence variant interpretation guidelines (Richards et al. 2015 PMID: 25741868, with internal and published modifications).

NM_133178.4(PTPRU):c.1842G>A (p.Pro614=)

Gene: PTPRU (protein tyrosine phosphatase receptor type U; plus strand). Cytogenetic location: 1p35.3.
Variant type: single nucleotide variant.
Coding change: c.1842G>A on transcript NM_133178.4 (MANE Select); coding-DNA position 1842, G replaced by A.
Protein change: p.Pro614=; no amino-acid change (proline 614 retained).
Molecular consequence: synonymous variant.
Genome position (GRCh38, 1-based): chr1:29,280,115, G>A. VCF-style: chr1-29280115-G-A. GRCh37 (hg19) VCF-style: chr1-29606627-G-A.
Other names: c.1842G>A, p.Pro614= (NM_001195001.2, NM_005704.5, NM_133177.4).
Identifiers: ClinVar variation 3041349 (VCV003041349.2), dbSNP rs201241001, ClinGen allele CA726464.